The following is an entry in ClinVar:

ClinVar aggregate classification (germline): Pathogenic/Likely pathogenic. Review status: criteria provided, multiple submitters, no conflicts (2 of 4 stars). 2 submissions from 2 submitters: Pathogenic (1); Likely pathogenic (1). Last evaluated 2024-04-26.

Conditions:
Mucopolysaccharidosis, MPS-IV-A (MPS4A). Also called: Morquio syndrome A, mild; MORQUIO SYNDROME A; GALACTOSAMINE-6-SULFATASE DEFICIENCY; GALNS DEFICIENCY; MORQUIO A DISEASE; Mucopolysaccharidosis type IV A. Identifiers: Orphanet 309297, Orphanet 582, MedGen C0086651, MONDO:0009659, OMIM 253000.

Submissions (2):

Fulgent Genetics
Classification: Likely pathogenic for Mucopolysaccharidosis, MPS-IV-A. Last evaluated: 2024-04-26. Review status: criteria provided, single submitter. Criteria: ACMG Guidelines, 2015. Collection method: clinical testing. Allele origin: germline.

Labcorp Genetics (formerly Invitae), Labcorp
Classification: Pathogenic for Mucopolysaccharidosis, MPS-IV-A. Last evaluated: 2023-10-05. Review status: criteria provided, single submitter. Criteria: Invitae Variant Classification Sherloc (09022015). Collection method: clinical testing. Allele origin: germline.
Comment: This sequence change creates a premature translational stop signal (p.Phe226Leufs*37) in the GALNS gene. It is expected to result in an absent or disrupted protein product. Loss-of-function variants in GALNS are known to be pathogenic (PMID: 12442278). This variant is not present in population databases (gnomAD no frequency). This variant has not been reported in the literature in individuals affected with GALNS-related conditions. ClinVar contains an entry for this variant (Variation ID: 2063914). For these reasons, this variant has been classified as Pathogenic.

Literature cited by the submitters: PubMed 12442278 (cited by Labcorp Genetics (formerly Invitae), Labcorp).

NM_000512.5(GALNS):c.675dup (p.Phe226fs)

Gene: GALNS (galactosamine (N-acetyl)-6-sulfatase; minus strand). Cytogenetic location: 16q24.3.
Variant type: Duplication.
Coding change: c.675dup on transcript NM_000512.5 (MANE Select); coding-DNA position 675, one base duplicated (C; older notation c.675dupC).
Protein change: p.Phe226fs; shifts the reading frame from phenylalanine 226.
Molecular consequence: frameshift variant.
Genome position (GRCh38, 1-based): chr16:88,835,808, G duplicated on the plus strand (C on the coding strand, the reverse complement: GALNS is on the minus strand); the first of 4 consecutive G bases (chr16:88,835,808-88,835,811); duplicating any one gives the same sequence. VCF-style (leftmost placement, unchanged base first): chr16-88835807-A-AG. GRCh37 (hg19) VCF-style: chr16-88902215-A-AG.
Other names: c.120dup, p.Phe41fs (NM_001323543.2); c.693dup, p.Phe232fs (NM_001323544.2); short protein forms F41fs, F226fs, F232fs.
Identifiers: ClinVar variation 2063914 (VCV002063914.5), dbSNP rs1480024542, ClinGen allele CA2538425289.
Genomic context (GRCh38, chr16:88,835,807, plus strand): 5'-AGAAGGGTTTGGAGGCATAGACGGGTGCGTGCGTGGCGTCGACAGCCCAGTAGAGGAAAA[A>AG]GGGGTGGTGCCGTGCCTGTCTCTTAATGAAGTCCAGGGCTTCCTATGGAGAGAGCCACAC-3'